The following is an entry in ClinVar:

NM_004006.3(DMD):c.4997G>A (p.Arg1666Gln)

Gene: DMD (dystrophin; minus strand). Cytogenetic location: Xp21.1.
Variant type: single nucleotide variant.
Coding change: c.4997G>A on transcript NM_004006.3 (MANE Select); coding-DNA position 4997, G replaced by A.
Protein change: p.Arg1666Gln; replaces arginine 1666 with glutamine.
Molecular consequence: missense variant.
Genome position (GRCh38, 1-based): chrX:32,365,048, C>T on the plus strand (G>A on the coding strand, the complement: DMD is on the minus strand). VCF-style: chrX-32365048-C-T. GRCh37 (hg19) VCF-style: chrX-32383165-C-T.
Other names: c.4973G>A, p.Arg1658Gln (NM_000109.4); c.4985G>A, p.Arg1662Gln (NM_004009.3); c.4628G>A, p.Arg1543Gln (NM_004010.3); c.974G>A, p.Arg325Gln (NM_004011.4); c.965G>A, p.Arg322Gln (NM_004012.4); short protein forms R1543Q, R1658Q, R1662Q, R322Q, R1666Q, R325Q.
Identifiers: ClinVar variation 2070706 (VCV002070706.5), dbSNP rs1047334468, ClinGen allele CA412671832.

ClinVar aggregate classification (germline): Conflicting classifications of pathogenicity. Review status: criteria provided, conflicting classifications (1 of 4 stars). 2 submissions from 2 submitters: Uncertain significance (1); Likely benign (1). Last evaluated 2025-03-05.

Conditions:
Cardiovascular phenotype. Identifiers: MedGen CN230736.
Duchenne muscular dystrophy (DMD). Also called: MUSCULAR DYSTROPHY, PSEUDOHYPERTROPHIC PROGRESSIVE, DUCHENNE TYPE; Duchenne Muscular Dystrophy (DMD). Identifiers: Orphanet 98896, MedGen C0013264, MONDO:0010679, OMIM 310200.

Allele frequency attached by ClinVar (database versions not stated): gnomAD exomes below 0.00001; gnomAD 0.00003.
gnomAD v4.1: 6 of 1,208,477 alleles (0.0005%); highest among the groups gnomAD compares: Non-Finnish European, 0.00067%; no homozygotes.

Submissions (2):

Labcorp Genetics (formerly Invitae), Labcorp
Classification: Likely benign for Duchenne muscular dystrophy. Last evaluated: 2025-03-05. Review status: criteria provided, single submitter. Criteria: Invitae Variant Classification Sherloc (09022015). Collection method: clinical testing. Allele origin: germline.

Ambry Genetics
Classification: Uncertain significance for Cardiovascular phenotype. Last evaluated: 2024-10-18. Review status: criteria provided, single submitter. Criteria: Ambry Variant Classification Scheme 2023. Collection method: clinical testing. Allele origin: germline.
Comment: The p.R1666Q variant (also known as c.4997G>A), located in coding exon 35 of the DMD gene, results from a G to A substitution at nucleotide position 4997. The arginine at codon 1666 is replaced by glutamine, an amino acid with highly similar properties. This amino acid position is highly conserved in available vertebrate species. In addition, the in silico prediction for this alteration is inconclusive. Based on data from gnomAD, the A allele has an overall frequency of 0.0015% (3/204607) total alleles studied, with 2 hemizygote(s) observed. The highest observed frequency was 0.0032% (3/92308) of European (non-Finnish) alleles. Based on the available evidence, the clinical significance of this variant remains unclear.